The following is an entry in ClinVar:

ClinVar aggregate classification (germline): Likely benign. Review status: criteria provided, multiple submitters, no conflicts (2 of 4 stars). 5 submissions from 5 submitters: Likely benign (5). Last evaluated 2026-03-01.

Conditions:
Inborn genetic diseases. Identifiers: MedGen C0950123, MeSH D030342.
Hereditary spastic paraplegia 47. Also called: Spastic paraplegia 47, autosomal recessive; CEREBRAL PALSY, SPASTIC QUADRIPLEGIC, 5; adaptor protein 4 (AP-4) deficiency syndrome. Identifiers: Orphanet 280763, MedGen C3279738, MONDO:0013551, OMIM 614066.

Allele frequency attached by ClinVar (database versions not stated): ExAC 0.00014; gnomAD exomes 0.00024 and 0.00031; gnomAD 0.00030 and 0.00031; TOPMed 0.00041; ESP Exome Variant Server 0.00046.

Submissions (5):

CeGaT Center for Human Genetics Tuebingen
Classification: Likely benign. Last evaluated: 2026-03-01. Review status: criteria provided, single submitter. Criteria: CeGaT Center For Human Genetics Tuebingen Variant Classification Criteria Version 2. Collection method: clinical testing. Allele origin: germline. Affected: yes. Observed: 1 variant allele.
Comment: AP4B1: BP4

Labcorp Genetics (formerly Invitae), Labcorp
Classification: Likely benign for Hereditary spastic paraplegia 47. Last evaluated: 2025-12-03. Review status: criteria provided, single submitter. Criteria: Invitae Variant Classification Sherloc (09022015). Collection method: clinical testing. Allele origin: germline.

Blueprint Genetics
Classification: Likely benign. Last evaluated: 2024-10-28. Review status: criteria provided, single submitter. Criteria: ACMG Guidelines, 2015. Collection method: clinical testing. Allele origin: germline.

Genome-Nilou Lab
Classification: Likely benign for Hereditary spastic paraplegia 47. Last evaluated: 2023-04-11. Review status: criteria provided, single submitter. Criteria: ACMG Guidelines, 2015. Collection method: clinical testing. Allele origin: germline. Affected: no.

Ambry Genetics
Classification: Likely benign for Inborn genetic diseases. Last evaluated: 2016-10-17. Review status: criteria provided, single submitter. Criteria: Ambry Variant Classification Scheme 2023. Collection method: clinical testing. Allele origin: germline.

NM_001253852.3(AP4B1):c.2004C>T (p.Thr668=)

Genes: AP4B1 (adaptor related protein complex 4 subunit beta 1; minus strand), AP4B1-AS1 (AP4B1 antisense RNA 1; plus strand). Cytogenetic location: 1p13.2.
Variant type: single nucleotide variant.
Coding change: c.2004C>T on transcript NM_001253852.3 (MANE Select); coding-DNA position 2004, C replaced by T.
Protein change: p.Thr668=; no amino-acid change (threonine 668 retained).
Molecular consequence: synonymous variant.
Genome position (GRCh38, 1-based): chr1:113,895,281, G>A on the plus strand (C>T on the coding strand, the complement: AP4B1 is on the minus strand). VCF-style: chr1-113895281-G-A. GRCh37 (hg19) VCF-style: chr1-114437903-G-A.
Other names: c.1707C>T, p.Thr569= (NM_001253853.3); c.1500C>T, p.Thr500= (NM_001308312.2); c.2004C>T, p.Thr668= (NM_006594.5).
Identifiers: ClinVar variation 589431 (VCV000589431.21), dbSNP rs143354033, ClinGen allele CA1015661.